The following is an entry in ClinVar:

ClinVar aggregate classification (germline): Pathogenic (1 of 4 stars; one submission).

Conditions:
3M syndrome 2. Also called: 3-M Syndrome, OBSL1-Related; THREE M SYNDROME 2. Identifiers: Orphanet 2616, MedGen C2752041, MONDO:0013039, OMIM 612921.

Submission:

3billion
Classification: Pathogenic for 3M syndrome 2. Last evaluated: 2022-05-22. Review status: criteria provided, single submitter. Criteria: ACMG Guidelines, 2015. Collection method: clinical testing. Allele origin: germline. Affected: yes. Observed: 1 homozygote.
Comment: The variant is not observed in the gnomAD v2.1.1 dataset. Frameshift: predicted to result in a loss or disruption of normal protein function through nonsense-mediated decay (NMD) or protein truncation. Multiple pathogenic variants are reported downstream of the variant. The variant has been reported to be associated with OBSL1 related disorder (3billion dataset). Therefore, this variant is classified as pathogenic according to the recommendation of ACMG/AMP guideline.

NM_015311.3(OBSL1):c.1068_1075dup (p.Val359fs)

Gene: OBSL1 (obscurin like cytoskeletal adaptor 1; minus strand). Cytogenetic location: 2q35.
Variant type: Duplication.
Coding change: c.1068_1075dup on transcript NM_015311.3 (MANE Select); coding-DNA positions 1068 to 1075, 8 bases duplicated (GATTGCCG; older notation c.1068_1075dupGATTGCCG).
Protein change: p.Val359fs; shifts the reading frame from valine 359.
Molecular consequence: frameshift variant.
Genome position (GRCh38, 1-based): chr2:219,568,262-219,568,269, CGGCAATC duplicated on the plus strand (GATTGCCG on the coding strand, the reverse complement: OBSL1 is on the minus strand); duplicating any 8 consecutive bases within chr2:219,568,262-219,568,270 gives the same sequence; the c. name uses the placement nearest the transcript's 3' end. VCF-style (leftmost placement, unchanged base first): chr2-219568261-A-ACGGCAATC. GRCh37 (hg19) VCF-style: chr2-220432983-A-ACGGCAATC.
Other names: c.1068_1075dup, p.Val359fs (NM_001173408.2, NM_001173431.2); short protein forms V359fs.
Identifiers: ClinVar variation 1687280 (VCV001687280.1), dbSNP rs2106102918, ClinGen allele CA2573135292.